The following is an entry in ClinVar:

ClinVar aggregate classification (germline): Uncertain significance. Review status: criteria provided, multiple submitters, no conflicts (2 of 4 stars). 3 submissions from 3 submitters: Uncertain significance (3). Last evaluated 2025-07-12.

Conditions:
Marfan syndrome (MFS). Also called: MARFAN SYNDROME, TYPE I; Marfan syndrome type 1; Marfan's syndrome; Marfan syndrome, classic; FBN1-Related Marfan Syndrome. Identifiers: Orphanet 284963, Orphanet 558, MedGen C0024796, MONDO:0007947, OMIM 154700.
Familial thoracic aortic aneurysm and aortic dissection (TAAD). Also called: Thoracic aortic aneurysms and dissections. Identifiers: Orphanet 91387, MedGen C4707243, MONDO:0019625.

Allele frequency attached by ClinVar (database versions not stated): TOPMed 0.00001; gnomAD exomes below 0.00001.
gnomAD v4.1: 2 of 1,612,860 alleles (0.00012%); highest among the groups gnomAD compares: Middle Eastern, 0.017%; no homozygotes.

Submissions (3):

Ambry Genetics
Classification: Uncertain significance for Familial thoracic aortic aneurysm and aortic dissection. Last evaluated: 2025-07-12. Review status: criteria provided, single submitter. Criteria: Ambry Variant Classification Scheme 2023. Collection method: clinical testing. Allele origin: germline.
Comment: The p.Q1955R variant (also known as c.5864A>G), located in coding exon 47 of the FBN1 gene, results from an A to G substitution at nucleotide position 5864. The glutamine at codon 1955 is replaced by arginine, an amino acid with highly similar properties. This variant was reported in individual(s) with thoracic aortic aneurysm/dissection (Arnaud P et al. Genet Med, 2019 Sep;21:2015-2024). This amino acid position is not well conserved in available vertebrate species. In addition, this alteration is predicted to be tolerated by in silico analysis. Based on the available evidence, the clinical significance of this variant remains unclear.

Labcorp Genetics (formerly Invitae), Labcorp
Classification: Uncertain significance for Marfan syndrome; Familial thoracic aortic aneurysm and aortic dissection. Last evaluated: 2025-02-19. Review status: criteria provided, single submitter. Criteria: Invitae Variant Classification Sherloc (09022015). Collection method: clinical testing. Allele origin: germline.
Comment: This sequence change replaces glutamine, which is neutral and polar, with arginine, which is basic and polar, at codon 1955 of the FBN1 protein (p.Gln1955Arg). This variant is not present in population databases (gnomAD no frequency). This missense change has been observed in individual(s) with thoracic aortic aneurysms and dissections (PMID: 30739908). ClinVar contains an entry for this variant (Variation ID: 2951024). Invitae Evidence Modeling of protein sequence and biophysical properties (such as structural, functional, and spatial information, amino acid conservation, physicochemical variation, residue mobility, and thermodynamic stability) indicates that this missense variant is not expected to disrupt FBN1 protein function with a negative predictive value of 95%. In summary, the available evidence is currently insufficient to determine the role of this variant in disease. Therefore, it has been classified as a Variant of Uncertain Significance.

All of Us Research Program, National Institutes of Health
Classification: Uncertain significance for Marfan syndrome. Last evaluated: 2024-07-29. Review status: criteria provided, single submitter. Criteria: ACMG Guidelines, 2015. Collection method: clinical testing. Allele origin: germline. Inheritance: Autosomal dominant inheritance. Observed: 7 variant alleles, 7 heterozygotes.
Comment: This missense variant replaces glutamine with arginine at codon 1955 of the FBN1 protein. Computational prediction suggests that this variant may not impact protein structure and function (internally defined REVEL score threshold <= 0.5, PMID: 27666373). To our knowledge, functional studies have not been reported for this variant. This variant has been reported in an individual affected with thoracic aortic aneurysm and dissection (PMID: 30739908). This variant has not been identified in the general population by the Genome Aggregation Database (gnomAD). The available evidence is insufficient to determine the role of this variant in disease conclusively. Therefore, this variant is classified as a Variant of Uncertain Significance.

This study involves interpretation of variants in research participants for the purpose of population health screening. Participant phenotype was not available at the time of variant classification. Additional details can be found in publication PMID: 35346344, PMCID: PMC8962531

Literature cited by the submitters: PubMed 30739908 (cited by 3 submitters).

NM_000138.5(FBN1):c.5864A>G (p.Gln1955Arg)

Gene: FBN1 (fibrillin 1; minus strand). Cytogenetic location: 15q21.1.
Variant type: single nucleotide variant.
Coding change: c.5864A>G on transcript NM_000138.5 (MANE Select); coding-DNA position 5864, A replaced by G.
Protein change: p.Gln1955Arg; replaces glutamine 1955 with arginine.
Molecular consequence: missense variant.
Genome position (GRCh38, 1-based): chr15:48,445,429, T>C on the plus strand (A>G on the coding strand, the complement: FBN1 is on the minus strand). VCF-style: chr15-48445429-T-C. GRCh37 (hg19) VCF-style: chr15-48737626-T-C.
Other names: c.5864A>G, p.Gln1955Arg (NM_001406716.1); short protein forms Q1955R.
Identifiers: ClinVar variation 2951024 (VCV002951024.6), dbSNP rs2043150977, ClinGen allele CA392340038.
Genomic context (GRCh38, chr15:48,445,429, plus strand): 5'-TACTTACCCACACAGGTCCTCCCATCTGGAGCCACCTCATAGCCTTCATTGCACTGGCAC[T>C]GGAAAGACCCCACTGTATTAATGCATTGGCCATTTCTGCAAAGATTCCCATTTCCACTTG-3'
Protein context (NP_000129.3, residues 1945-1965): GQCINTVGSF[Gln1955Arg]CQCNEGYEVA